The following is an entry in ClinVar:

ClinVar aggregate classification (germline): Uncertain significance. Review status: criteria provided, multiple submitters, no conflicts (2 of 4 stars). 2 submissions from 2 submitters: Uncertain significance (2). Last evaluated 2021-05-03.

Conditions:
Desmin-related myofibrillar myopathy (MFM1). Also called: Desminopathy; Desmin related myopathy (former name); Desmin storage myopathy (former name); DESMIN-RELATED MYOPATHY WITH ARRHYTHMOGENIC RIGHT VENTRICULAR CARDIOMYOPATHY; MYOFIBRILLAR MYOPATHY WITH ARRHYTHMOGENIC RIGHT VENTRICULAR CARDIOMYOPATHY; Myofibrillar myopathy 1. Identifiers: Orphanet 363543, Orphanet 98909, MedGen C1832370, MONDO:0011076, OMIM 601419.

Submissions (2):

Labcorp Genetics (formerly Invitae), Labcorp
Classification: Uncertain significance for Desmin-related myofibrillar myopathy. Last evaluated: 2021-05-03. Review status: criteria provided, single submitter. Criteria: Invitae Variant Classification Sherloc (09022015). Collection method: clinical testing. Allele origin: germline.
Comment: This variant is not present in population databases (ExAC no frequency). In summary, the available evidence is currently insufficient to determine the role of this variant in disease. Therefore, it has been classified as a Variant of Uncertain Significance. Algorithms developed to predict the effect of missense changes on protein structure and function are either unavailable or do not agree on the potential impact of this missense change (SIFT: "Tolerated"; PolyPhen-2: "Not Available"; Align-GVGD: "Class C0"). This variant has not been reported in the literature in individuals with DES-related conditions. This sequence change replaces phenylalanine with leucine at codon 35 of the DES protein (p.Phe35Leu). The phenylalanine residue is moderately conserved and there is a small physicochemical difference between phenylalanine and leucine.

Revvity Omics, Revvity
Classification: Uncertain significance. Last evaluated: 2020-03-02. Review status: criteria provided, single submitter. Criteria: ACMG Guidelines, 2015. Collection method: clinical testing. Allele origin: germline.

NM_001927.4(DES):c.105C>G (p.Phe35Leu)

Gene: DES (desmin; plus strand). Cytogenetic location: 2q35.
Variant type: single nucleotide variant.
Coding change: c.105C>G on transcript NM_001927.4 (MANE Select); coding-DNA position 105, C replaced by G.
Protein change: p.Phe35Leu; replaces phenylalanine 35 with leucine.
Molecular consequence: missense variant.
Genome position (GRCh38, 1-based): chr2:219,418,567, C>G. VCF-style: chr2-219418567-C-G. GRCh37 (hg19) VCF-style: chr2-220283289-C-G.
Other names: c.105C>G, p.Phe35Leu (NM_001382708.1, NM_001382709.1, NM_001382710.1 and 3 more transcripts); c.105C>G (NM_001927.3); short protein forms F35L.
Identifiers: ClinVar variation 1393027 (VCV001393027.13), dbSNP rs768166041, ClinGen allele CA350682917.